The following is an entry in ClinVar:

ClinVar aggregate classification (germline): Pathogenic (1 of 4 stars; one submission).

Conditions:
Arrhythmogenic right ventricular dysplasia 8 (ARVD8). Also called: Arrhythmogenic Right Ventricular Dysplasia/Cardiomyopathy 8; ARRHYTHMOGENIC RIGHT VENTRICULAR CARDIOMYOPATHY 8; ARRHYTHMOGENIC RIGHT VENTRICULAR DYSPLASIA, FAMILIAL, 8. Identifiers: MedGen C1843896, MONDO:0011831, OMIM 607450.
Arrhythmogenic cardiomyopathy with wooly hair and keratoderma. Also called: Dilated cardiomyopathy with woolly hair and keratoderma; Arrhythmogenic cardiomyopathy with woolly hair and keratoderma; Carvajal syndrome; PALMOPLANTAR KERATODERMA WITH LEFT VENTRICULAR CARDIOMYOPATHY AND WOOLLY HAIR. Identifiers: Orphanet 65282, MedGen C1854063, MONDO:0011581, OMIM 605676.

Submission:

Labcorp Genetics (formerly Invitae), Labcorp
Classification: Pathogenic for Dilated cardiomyopathy with woolly hair and keratoderma; Arrhythmogenic right ventricular cardiomyopathy, type 8. Last evaluated: 2018-06-12. Review status: criteria provided, single submitter. Criteria: Invitae Variant Classification Sherloc (09022015). Collection method: clinical testing. Allele origin: germline.
Comment: This variant is a gross deletion of the genomic region encompassing exons 13-24 of the DSP gene. The 5' boundary is likely confined to intron 12. The 3' end of this event is unknown as it extends through the termination codon beyond the assayed region for this gene and may encompass additional genes. While this deletion is not anticipated to result in nonsense mediated decay, it is expected to create a truncated protein product or disrupt mRNA translation. This variant has not been reported in the literature in individuals with DSP-related disease. Truncations (p.Arg2166* and p.Thr2634Lysfs*4) that lie within the deleted region of this variant have been determined to be pathogenic (PMID: 26899768,Â¬â€ 11063735). This suggests that deletion of this region of the DSP protein is causative of disease. For these reasons, this variant has been classified as Pathogenic.

Literature cited by the submitters: PubMed 26899768.

NC_000006.12:g.(?_7570417)_(7585898_?)del

Gene: DSP (desmoplakin; plus strand). Cytogenetic location: 6p24.3.
Variant type: Deletion.
Identifiers: ClinVar variation 583738 (VCV000583738.1).